The following is an entry in ClinVar:

ClinVar aggregate classification (germline): Uncertain significance (1 of 4 stars; one submission).

Allele frequency attached by ClinVar (database versions not stated): TOPMed below 0.00001; gnomAD 0.00001; gnomAD exomes 0.00001.
gnomAD v4.1: 5 of 1,611,678 alleles (0.00031%); highest among the groups gnomAD compares: Non-Finnish European, 0.00034%; no homozygotes.

Submission:

Labcorp Genetics (formerly Invitae), Labcorp
Classification: Uncertain significance. Last evaluated: 2022-06-20. Review status: criteria provided, single submitter. Criteria: Invitae Variant Classification Sherloc (09022015). Collection method: clinical testing. Allele origin: germline.
Comment: This variant has not been reported in the literature in individuals affected with RGR-related conditions. Variants that disrupt the consensus splice site are a relatively common cause of aberrant splicing (PMID: 17576681, 9536098). Algorithms developed to predict the effect of sequence changes on RNA splicing suggest that this variant may disrupt the consensus splice site. In summary, the available evidence is currently insufficient to determine the role of this variant in disease. Therefore, it has been classified as a Variant of Uncertain Significance. This variant is not present in population databases (gnomAD no frequency). This sequence change falls in intron 6 of the RGR gene. It does not directly change the encoded amino acid sequence of the RGR protein. It affects a nucleotide within the consensus splice site.

Literature cited by the submitters: PubMed 17576681; PubMed 9536098.

NM_001012720.2(RGR):c.744+3A>G

Gene: RGR (retinal G protein coupled receptor; plus strand). Cytogenetic location: 10q23.1.
Variant type: single nucleotide variant.
Coding change: c.744+3A>G on transcript NM_001012720.2 (MANE Select); 3 bases into the intron after coding-DNA position 744, A replaced by G.
Molecular consequence: intron variant.
Genome position (GRCh38, 1-based): chr10:84,258,009, A>G. VCF-style: chr10-84258009-A-G. GRCh37 (hg19) VCF-style: chr10-86017765-A-G.
Other names: c.756+3A>G (NM_002921.4); c.631-499A>G (NM_001012722.2).
Identifiers: ClinVar variation 1513266 (VCV001513266.6), dbSNP rs986062359, ClinGen allele CA210403157.